The following is an entry in ClinVar:

ClinVar aggregate classification (germline): Uncertain significance (1 of 4 stars; one submission).

gnomAD v4.1: 2 of 1,614,062 alleles (0.00012%); highest among the groups gnomAD compares: African/African-American, 0.0013%; no homozygotes.

Submission:

Women's Health and Genetics/Laboratory Corporation of America, LabCorp
Classification: Uncertain significance. Last evaluated: 2025-05-07. Review status: criteria provided, single submitter. Criteria: LabCorp Variant Classification Summary - May 2015. Collection method: clinical testing. Allele origin: germline.
Comment: Variant summary: KAT6A c.4201C>T (p.His1401Tyr) results in a conservative amino acid change in the encoded protein sequence. Algorithms developed to predict the effect of missense changes on protein structure and function all suggest that this variant is likely to be tolerated. The variant was absent in 251332 control chromosomes. The available data on variant occurrences in the general population are insufficient to allow any conclusion about variant significance. To our knowledge, no occurrence of c.4201C>T in individuals affected with Arboleda-Tham Syndrome and no experimental evidence demonstrating its impact on protein function have been reported. No submitters have cited clinical-significance assessments for this variant to ClinVar. Based on the evidence outlined above, the variant was classified as uncertain significance.

NM_006766.5(KAT6A):c.4201C>T (p.His1401Tyr)

Gene: KAT6A (lysine acetyltransferase 6A; minus strand). Cytogenetic location: 8p11.21.
Variant type: single nucleotide variant.
Coding change: c.4201C>T on transcript NM_006766.5 (MANE Select); coding-DNA position 4201, C replaced by T.
Protein change: p.His1401Tyr; replaces histidine 1401 with tyrosine.
Molecular consequence: missense variant.
Genome position (GRCh38, 1-based): chr8:41,934,019, G>A on the plus strand (C>T on the coding strand, the complement: KAT6A is on the minus strand). VCF-style: chr8-41934019-G-A. GRCh37 (hg19) VCF-style: chr8-41791537-G-A.
Other names: short protein forms H1401Y.
Identifiers: ClinVar variation 3902434 (VCV003902434.1).